The following is an entry in ClinVar:

NM_004304.5(ALK):c.4333C>G (p.Pro1445Ala)

Gene: ALK (ALK receptor tyrosine kinase; minus strand). Cytogenetic location: 2p23.2.
Variant type: single nucleotide variant.
Coding change: c.4333C>G on transcript NM_004304.5 (MANE Select); coding-DNA position 4333, C replaced by G.
Protein change: p.Pro1445Ala; replaces proline 1445 with alanine.
Molecular consequence: missense variant.
Genome position (GRCh38, 1-based): chr2:29,193,754, G>C on the plus strand (C>G on the coding strand, the complement: ALK is on the minus strand). VCF-style: chr2-29193754-G-C. GRCh37 (hg19) VCF-style: chr2-29416620-G-C.
Other names: c.1129C>G, p.Pro377Ala (NM_001353765.2); short protein forms P1445A, P377A.
Identifiers: ClinVar variation 3285548 (VCV003285548.1).

ClinVar aggregate classification (germline): Uncertain significance (1 of 4 stars; one submission).

Conditions:
Hereditary cancer-predisposing syndrome. Also called: Tumor predisposition; Hereditary Cancer Syndrome; Hereditary neoplastic syndrome; Neoplastic Syndromes, Hereditary. Identifiers: Orphanet 140162, MedGen C0027672, MeSH D009386, MONDO:0015356.

gnomAD v4.1: 9 of 1,598,140 alleles (0.00056%); highest among the groups gnomAD compares: South Asian, 0.01%; no homozygotes.

Submission:

Ambry Genetics
Classification: Uncertain significance for Hereditary cancer-predisposing syndrome. Last evaluated: 2024-04-27. Review status: criteria provided, single submitter. Criteria: Ambry Variant Classification Scheme 2023. Collection method: clinical testing. Allele origin: germline.
Comment: The p.P1445A variant (also known as c.4333C>G), located in coding exon 29 of the ALK gene, results from a C to G substitution at nucleotide position 4333. The proline at codon 1445 is replaced by alanine, an amino acid with highly similar properties. This amino acid position is conserved. In addition, this alteration is predicted to be tolerated by in silico analysis. Based on the available evidence, the clinical significance of this variant remains unclear.